The following is an entry in ClinVar:

NM_177438.3(DICER1):c.4289G>A (p.Arg1430Lys)

Gene: DICER1 (dicer 1, ribonuclease III; minus strand). Cytogenetic location: 14q32.13.
Variant type: single nucleotide variant.
Coding change: c.4289G>A on transcript NM_177438.3 (MANE Select); coding-DNA position 4289, G replaced by A.
Protein change: p.Arg1430Lys; replaces arginine 1430 with lysine.
Molecular consequence: missense variant.
Genome position (GRCh38, 1-based): chr14:95,096,631, C>T on the plus strand (G>A on the coding strand, the complement: DICER1 is on the minus strand). VCF-style: chr14-95096631-C-T. GRCh37 (hg19) VCF-style: chr14-95562968-C-T.
Other names: c.4289G>A, p.Arg1430Lys (NM_001195573.1, NM_001271282.3, NM_001291628.2 and 1 more transcripts); short protein forms R1430K.
Identifiers: ClinVar variation 1059410 (VCV001059410.13), dbSNP rs1890372350, ClinGen allele CA390869514.

ClinVar aggregate classification (germline): Uncertain significance. Review status: criteria provided, multiple submitters, no conflicts (2 of 4 stars). 2 submissions from 2 submitters: Uncertain significance (2). Last evaluated 2025-10-02.

Conditions:
Hereditary cancer-predisposing syndrome. Also called: Tumor predisposition; Neoplastic Syndromes, Hereditary; Hereditary Cancer Syndrome; Hereditary neoplastic syndrome. Identifiers: Orphanet 140162, MedGen C0027672, MeSH D009386, MONDO:0015356.
DICER1-related tumor predisposition. Also called: DICER1 syndrome; DICER1-related pleuropulmonary blastoma cancer predisposition syndrome. Identifiers: Orphanet 284343, MedGen C3839822, MONDO:0100216.

Submissions (2):

Ambry Genetics
Classification: Uncertain significance for Hereditary cancer-predisposing syndrome. Last evaluated: 2025-10-02. Review status: criteria provided, single submitter. Criteria: Ambry Variant Classification Scheme 2023. Collection method: clinical testing. Allele origin: germline.
Comment: The p.R1430K variant (also known as c.4289G>A), located in coding exon 22 of the DICER1 gene, results from a G to A substitution at nucleotide position 4289. The arginine at codon 1430 is replaced by lysine, an amino acid with highly similar properties. This amino acid position is conserved. In addition, this alteration is predicted to be tolerated by in silico analysis. Based on the available evidence, the clinical significance of this variant remains unclear.

Labcorp Genetics (formerly Invitae), Labcorp
Classification: Uncertain significance for DICER1-related tumor predisposition. Last evaluated: 2024-06-18. Review status: criteria provided, single submitter. Criteria: Invitae Variant Classification Sherloc (09022015). Collection method: clinical testing. Allele origin: germline.
Comment: This sequence change replaces arginine, which is basic and polar, with lysine, which is basic and polar, at codon 1430 of the DICER1 protein (p.Arg1430Lys). This variant is not present in population databases (gnomAD no frequency). This variant has not been reported in the literature in individuals affected with DICER1-related conditions. ClinVar contains an entry for this variant (Variation ID: 1059410). An algorithm developed to predict the effect of missense changes on protein structure and function (PolyPhen-2) suggests that this variant is likely to be tolerated. In summary, the available evidence is currently insufficient to determine the role of this variant in disease. Therefore, it has been classified as a Variant of Uncertain Significance.